The following is an entry in ClinVar:

NM_001369.3(DNAH5):c.1489C>T (p.Gln497Ter)

Gene: DNAH5 (dynein axonemal heavy chain 5; minus strand). Cytogenetic location: 5p15.2.
Variant type: single nucleotide variant.
Coding change: c.1489C>T on transcript NM_001369.3 (MANE Select); coding-DNA position 1489, C replaced by T.
Protein change: p.Gln497Ter; replaces glutamine 497 with a stop codon.
Molecular consequence: nonsense.
Genome position (GRCh38, 1-based): chr5:13,913,790, G>A on the plus strand (C>T on the coding strand, the complement: DNAH5 is on the minus strand). VCF-style: chr5-13913790-G-A. GRCh37 (hg19) VCF-style: chr5-13913899-G-A.
Other names: short protein forms Q497*.
Identifiers: ClinVar variation 4066816 (VCV004066816.3).

ClinVar aggregate classification (germline): Pathogenic. Review status: criteria provided, multiple submitters, no conflicts (2 of 4 stars). 2 submissions from 2 submitters: Pathogenic (2). Last evaluated 2025-01-27.

Conditions:
Primary ciliary dyskinesia. Also called: Ciliary dyskinesia. Identifiers: Orphanet 244, MedGen C0008780, MONDO:0016575, HP:0012265.
Primary ciliary dyskinesia 3. Identifiers: Orphanet 244, MedGen C1837618, MONDO:0012085, OMIM 608644.

Submissions (2):

Natera, Inc.
Classification: Pathogenic for Primary ciliary dyskinesia. Last evaluated: 2025-01-27. Review status: criteria provided, single submitter. Criteria: Natera Variant Classification Schema (03/2026). Collection method: clinical testing. Allele origin: germline.
Comment: The c.1489C>T variant in DNAH5 is a nonsense variant predicted to introduce a stop codon at amino acid 497. This variant is expected to result in nonsense mediated decay, truncation, or a dysfunctional protein product. This variant is rare in the general population with a frequency below the threshold expected for the associated phenotype(s). This variant has been observed in one or more individuals affected with the associated recessive disease, as either homozygous or compound heterozygous with a second variant (PMID: 33974255). Given the available evidence, this variant is classified as Pathogenic.

Myriad Genetics, Inc.
Classification: Pathogenic for Primary ciliary dyskinesia 3. Last evaluated: 2024-12-24. Review status: criteria provided, single submitter. Criteria: Myriad Autosomal Dominant, Autosomal Recessive and X-Linked Classification Criteria (2023). Collection method: clinical testing. Allele origin: unknown.
Comment: NM_001369.2(DNAH5):c.1489C>T(Q497*) is expected to be pathogenic in the context of primary ciliary dyskinesia, DNAH5-related. This variant is predicted to lead to an abnormal or absent protein product due to the creation of a premature termination codon in DNAH5, a gene where loss-of-function variants are known to be pathogenic. Please note: this variant was assessed in the context of healthy population screening.

Literature cited by the submitters: PubMed 33974255 (cited by Natera, Inc.).